The following is an entry in ClinVar:

NM_000548.5(TSC2):c.1957A>T (p.Arg653Ter)

Gene: TSC2 (TSC complex subunit 2; plus strand). Cytogenetic location: 16p13.3.
Variant type: single nucleotide variant.
Coding change: c.1957A>T on transcript NM_000548.5 (MANE Select); coding-DNA position 1957, A replaced by T.
Protein change: p.Arg653Ter; replaces arginine 653 with a stop codon.
Molecular consequence: nonsense.
Genome position (GRCh38, 1-based): chr16:2,071,794, A>T. VCF-style: chr16-2071794-A-T. GRCh37 (hg19) VCF-style: chr16-2121795-A-T.
Other names: c.1957A>T, p.Arg653Ter (NM_001077183.3, NM_001114382.3, NM_001363528.2 and 3 more transcripts); c.1846A>T, p.Arg616Ter (NM_001318827.2); c.1810A>T, p.Arg604Ter (NM_001318829.2); c.1357A>T, p.Arg453Ter (NM_001318831.2); c.1990A>T, p.Arg664Ter (NM_001318832.2); short protein forms R653*, R453*, R616*, R604*, R664*.
Identifiers: ClinVar variation 280891 (VCV000280891.2), dbSNP rs764225717, ClinGen allele CA10603361.

ClinVar aggregate classification (germline): Pathogenic (1 of 4 stars; one submission).

Submission:

GeneDx
Classification: Pathogenic. Last evaluated: 2017-07-18. Review status: criteria provided, single submitter. Criteria: GeneDx Variant Classification (06012015). Collection method: clinical testing. Allele origin: germline. Affected: yes.
Comment: The R653X nonsense variant in the TSC2 gene is predicted to cause loss of normal protein function either through protein truncation or nonsense-mediated mRNA decay. It was not observed in approximately 6,500 individuals of European and African American ancestry in the NHLBI Exome Sequencing Project, indicating it is not a common benign variant in these populations. Although this pathogenic variant has not been reported previously to our knowledge, its presence is consistent with a diagnosis of tuberous sclerosis complex